The following is an entry in ClinVar:

NM_006267.5(RANBP2):c.3920C>T (p.Ala1307Val)

Gene: RANBP2 (RAN binding protein 2; plus strand). Cytogenetic location: 2q13.
Variant type: single nucleotide variant.
Coding change: c.3920C>T on transcript NM_006267.5 (MANE Select); coding-DNA position 3920, C replaced by T.
Protein change: p.Ala1307Val; replaces alanine 1307 with valine.
Molecular consequence: missense variant.
Genome position (GRCh38, 1-based): chr2:108,764,459, C>T. VCF-style: chr2-108764459-C-T. GRCh37 (hg19) VCF-style: chr2-109380915-C-T.
Other names: short protein forms A1307V.
Identifiers: ClinVar variation 1057731 (VCV001057731.10), dbSNP rs780260112, ClinGen allele CA1823012.
Genomic context (GRCh38, chr2:108,764,459, plus strand): 5'-CTCCTGAGGAAGCAGCACTTTTTAAATGCAAGTTTGAAGAAGCCCAGAGCATTTTAAAAG[C>T]CCCAGGAACAAATGTAGCCATGGCGTCAAATCAGGCTGTCAGAATTGTAAAAGAACCCAC-3'
Protein context (NP_006258.3, residues 1297-1317): KFEEAQSILK[Ala1307Val]PGTNVAMASN

ClinVar aggregate classification (germline): Uncertain significance (1 of 4 stars; one submission).

Conditions:
Familial acute necrotizing encephalopathy (IIAE3). Also called: ENCEPHALOPATHY, ACUTE, INFECTION-INDUCED, SUSCEPTIBILITY TO, 3; Susceptibility to Acute Necrotizing Encephalopathy 1. Identifiers: Orphanet 88619, MedGen C2675556, MONDO:0011953, OMIM 608033.

Allele frequency attached by ClinVar (database versions not stated): gnomAD 0.00001; TOPMed 0.00002; gnomAD exomes 0.00003 and 0.00004; ExAC 0.00005.
gnomAD v4.1: 17 of 1,613,770 alleles (0.0011%); highest among the groups gnomAD compares: Admixed American, 0.025%; no homozygotes.

Submission:

Labcorp Genetics (formerly Invitae), Labcorp
Classification: Uncertain significance for Familial acute necrotizing encephalopathy. Last evaluated: 2020-03-26. Review status: criteria provided, single submitter. Criteria: Invitae Variant Classification Sherloc (09022015). Collection method: clinical testing. Allele origin: germline.
Comment: In summary, the available evidence is currently insufficient to determine the role of this variant in disease. Therefore, it has been classified as a Variant of Uncertain Significance. Algorithms developed to predict the effect of missense changes on protein structure and function are either unavailable or do not agree on the potential impact of this missense change (SIFT: "Deleterious"; PolyPhen-2: "Benign"; Align-GVGD: "Class C55"). This variant has not been reported in the literature in individuals with RANBP2-related conditions. This variant is present in population databases (rs780260112, ExAC 0.05%). This sequence change replaces alanine with valine at codon 1307 of the RANBP2 protein (p.Ala1307Val). The alanine residue is highly conserved and there is a small physicochemical difference between alanine and valine.